The following is an entry in ClinVar:

NM_002905.5(RDH5):c.796C>T (p.Arg266Ter)

Genes: CD63 (CD63 molecule; minus strand), RDH5 (retinol dehydrogenase 5; plus strand), BLOC1S1-RDH5 (BLOC1S1-RDH5 readthrough; plus strand). Cytogenetic location: 12q13.2.
Variant type: single nucleotide variant.
Coding change: c.796C>T on transcript NM_002905.5 (MANE Select); coding-DNA position 796, C replaced by T.
Protein change: p.Arg266Ter; replaces arginine 266 with a stop codon.
Molecular consequence: nonsense. On other transcripts: non-coding transcript variant (1), 3 prime UTR variant (2).
Genome position (GRCh38, 1-based): chr12:55,724,384, C>T. VCF-style: chr12-55724384-C-T. GRCh37 (hg19) VCF-style: chr12-56118168-C-T.
Other names: c.796C>T, p.Arg266Ter (NM_001199771.3); c.*680G>A (NM_001413284.1); c.*695G>A (NM_001413285.1); short protein forms R266*.
Identifiers: ClinVar variation 4748502 (VCV004748502.2).

ClinVar aggregate classification (germline): Pathogenic/Likely pathogenic. Review status: criteria provided, multiple submitters, no conflicts (2 of 4 stars). 2 submissions from 2 submitters: Pathogenic (1); Likely pathogenic (1). Last evaluated 2026-01-04.

Conditions:
RDH5-related disorder. Also called: RDH5-related condition.

gnomAD v4.1: 7 of 1,614,094 alleles (0.00043%); highest among the groups gnomAD compares: African/African-American, 0.0013%; no homozygotes.

Submissions (2):

Labcorp Genetics (formerly Invitae), Labcorp
Classification: Pathogenic. Last evaluated: 2026-01-04. Review status: criteria provided, single submitter. Criteria: Invitae Variant Classification Sherloc (09022015). Collection method: clinical testing. Allele origin: germline.
Comment: This sequence change creates a premature translational stop signal (p.Arg266*) in the RDH5 gene. While this is not anticipated to result in nonsense mediated decay, it is expected to disrupt the last 53 amino acid(s) of the RDH5 protein. This variant is present in population databases (rs776391745, gnomAD 0.0009%). This variant has not been reported in the literature in individuals affected with RDH5-related conditions. This variant disrupts a region of the RDH5 protein in which other variant(s) (p.Leu310delinsGluVal) have been determined to be pathogenic (PMID: 11053295, 11675386, 15007239, 28393863). This suggests that this is a clinically significant region of the protein, and that variants that disrupt it are likely to be disease-causing. For these reasons, this variant has been classified as Pathogenic.

Blueprint Genetics
Classification: Likely pathogenic for RDH5-related disorders. Last evaluated: 2022-03-01. Review status: criteria provided, single submitter. Criteria: ACMG Guidelines, 2015. Collection method: clinical testing. Allele origin: germline. Affected: yes. Observed: 2 variant alleles.

Literature cited by the submitters: PubMed 11053295 (cited by Labcorp Genetics (formerly Invitae), Labcorp); PubMed 11675386 (cited by Labcorp Genetics (formerly Invitae), Labcorp); PubMed 15007239 (cited by Labcorp Genetics (formerly Invitae), Labcorp); PubMed 28393863 (cited by Labcorp Genetics (formerly Invitae), Labcorp).